The following is an entry in ClinVar:

NM_001164508.2(NEB):c.2523+1G>A

Gene: NEB (nebulin; minus strand). Cytogenetic location: 2q23.3.
Variant type: single nucleotide variant.
Coding change: c.2523+1G>A on transcript NM_001164508.2 (MANE Select); the canonical splice donor site of the intron after coding-DNA position 2523, G replaced by A.
Molecular consequence: splice donor variant.
Genome position (GRCh38, 1-based): chr2:151,687,625, C>T on the plus strand (G>A on the coding strand, the complement: NEB is on the minus strand). VCF-style: chr2-151687625-C-T. GRCh37 (hg19) VCF-style: chr2-152544139-C-T.
Other names: NM_001164508.2:c.2523+1G>A; c.2523+1G>A (NM_004543.5, NM_001164507.2, NM_001271208.2).
Identifiers: ClinVar variation 3776995 (VCV003776995.2).

ClinVar aggregate classification (germline): Likely pathogenic. Review status: criteria provided, multiple submitters, no conflicts (2 of 4 stars). 2 submissions from 2 submitters: Likely pathogenic (2). Last evaluated 2025-03-21.

Conditions:
Nemaline myopathy. Also called: Myopathies, Nemaline. Identifiers: Orphanet 607, MedGen C0206157, MONDO:0018958.
Nemaline myopathy 2 (NEM2). Also called: Nemaline myopathy 2, autosomal recessive. Identifiers: MedGen C1850569, MONDO:0009725, OMIM 256030.

gnomAD v4.1: 1 of 1,613,290 alleles (0.000062%); no homozygotes.

Submissions (2):

Broad Center for Mendelian Genomics, Broad Institute of MIT and Harvard
Classification: Likely pathogenic for Nemaline myopathy. Last evaluated: 2025-03-21. Review status: criteria provided, single submitter. Criteria: ACMG Guidelines, 2015. Collection method: curation. Allele origin: germline. Inheritance: Autosomal recessive inheritance.
Comment: The c.2523+1G>A variant in NEB has been reported in one individual with nemaline myopathy (PMID: 37273706, 33726816), and has been identified in 0.002% (1/63982) of European (Finnish) chromosomes by the Genome Aggregation Database (gnomAD). Although this variant has been seen in the general population in a heterozygous state, its frequency is low enough to be consistent with a recessive carrier frequency. This variant is located in the 5' splice region. SpliceAI predictions indicate use of an out-of-frame cryptic splice site 58 bases from the intron-exon boundary, providing evidence that this variant may cause a frameshift and lead to a premature termination codon downstream. This alteration is then predicted to lead to a truncated or absent protein. However, this information is not predictive enough to determine pathogenicity. Loss of function of the NEB gene is an established disease mechanism in autosomal recessive nemaline myopathy. In summary, although additional studies are required to fully establish its clinical significance, this variant is likely pathogenic for autosomal recessive nemaline myopathy. ACMG/AMP Criteria applied: PVS1, PM2_supporting (Richards 2015).

Kariminejad - Najmabadi Pathology & Genetics Center
Classification: Likely pathogenic for Nemaline myopathy 2. Last evaluated: 2024-07-20. Review status: criteria provided, single submitter. Criteria: ACMG Guidelines, 2015. Collection method: clinical testing. Allele origin: germline. Inheritance: Autosomal recessive inheritance. Affected: yes.
Comment: PVS1(Very Strong),PM2